The following is an entry in ClinVar:

NM_014845.6(FIG4):c.2567C>T (p.Ser856Leu)

Gene: FIG4 (FIG4 phosphoinositide 5-phosphatase; plus strand). Cytogenetic location: 6q21.
Variant type: single nucleotide variant.
Coding change: c.2567C>T on transcript NM_014845.6 (MANE Select); coding-DNA position 2567, C replaced by T.
Protein change: p.Ser856Leu; replaces serine 856 with leucine.
Molecular consequence: missense variant.
Genome position (GRCh38, 1-based): chr6:109,825,108, C>T. VCF-style: chr6-109825108-C-T. GRCh37 (hg19) VCF-style: chr6-110146311-C-T.
Other names: short protein forms S856L.
Identifiers: ClinVar variation 216681 (VCV000216681.12), dbSNP rs200970494, ClinGen allele CA337373.

ClinVar aggregate classification (germline): Uncertain significance. Review status: criteria provided, multiple submitters, no conflicts (2 of 4 stars). 5 submissions from 4 submitters: Uncertain significance (4). 1 of the submissions does not count toward it. Last evaluated 2021-09-01.

Conditions:
FIG4-related disorder. Also called: FIG4-related disorders; FIG4-related condition.
Charcot-Marie-Tooth disease type 4. Also called: Charcot-Marie-Tooth, Type 4; Charcot-Marie-Tooth disease, type IV. Identifiers: Orphanet 64749, MedGen C4082197, MONDO:0018995.
Amyotrophic lateral sclerosis type 11 (ALS11). Identifiers: Orphanet 803, MedGen C2675491, MONDO:0012945, OMIM 612577.
Charcot-Marie-Tooth disease type 4J (CMT4J). Also called: Charcot-Marie-Tooth Neuropathy Type 4J; CHARCOT-MARIE-TOOTH DISEASE, AUTOSOMAL RECESSIVE, TYPE 4J; CHARCOT-MARIE-TOOTH DISEASE, DEMYELINATING, TYPE 4J. Identifiers: Orphanet 139515, MedGen C1970011, MONDO:0012640, OMIM 611228.

Allele frequency attached by ClinVar (database versions not stated): ExAC 0.00001; gnomAD exomes 0.00002 and 0.00004; TOPMed 0.00002; gnomAD 0.00003 and 0.00004; ESP Exome Variant Server 0.00008; 1000 Genomes Project 30x 0.00016; 1000 Genomes Project 0.00020.
gnomAD v4.1: 57 of 1,613,916 alleles (0.0035%); highest among the groups gnomAD compares: Non-Finnish European, 0.0045%; no homozygotes.

Submissions (5):

Labcorp Genetics (formerly Invitae), Labcorp
Classification: Uncertain significance for Charcot-Marie-Tooth disease type 4. Last evaluated: 2021-09-01. Review status: criteria provided, single submitter. Criteria: Invitae Variant Classification Sherloc (09022015). Collection method: clinical testing. Allele origin: germline.
Comment: This sequence change replaces serine with leucine at codon 856 of the FIG4 protein (p.Ser856Leu). The serine residue is moderately conserved and there is a large physicochemical difference between serine and leucine. This variant is present in population databases (rs200970494, ExAC 0.001%). This variant has not been reported in the literature in individuals affected with FIG4-related conditions. ClinVar contains an entry for this variant (Variation ID: 216681). Algorithms developed to predict the effect of missense changes on protein structure and function output the following: SIFT: "Tolerated"; PolyPhen-2: "Benign"; Align-GVGD: "Class C0". The leucine amino acid residue is found in multiple mammalian species, which suggests that this missense change does not adversely affect protein function. In summary, the available evidence is currently insufficient to determine the role of this variant in disease. Therefore, it has been classified as a Variant of Uncertain Significance.

GeneDx
Classification: Uncertain significance. Last evaluated: 2020-09-14. Review status: criteria provided, single submitter. Criteria: GeneDx Variant Classification Process June 2021. Collection method: clinical testing. Allele origin: germline. Affected: yes.
Comment: Not observed at a significant frequency in large population cohorts (Lek et al., 2016); In silico analysis supports that this missense variant has a deleterious effect on protein structure/function; Has not been previously published as pathogenic or benign to our knowledge; This variant is associated with the following publications: (PMID: 32376792)

Illumina Laboratory Services, Illumina
Classification: Uncertain significance for Charcot-Marie-Tooth disease type 4J. Last evaluated: 2018-01-13. Review status: criteria provided, single submitter. Criteria: ICSL Variant Classification Criteria 13 December 2019. Collection method: clinical testing. Allele origin: germline.

Illumina Laboratory Services, Illumina
Classification: Uncertain significance for Amyotrophic lateral sclerosis type 11. Last evaluated: 2018-01-13. Review status: criteria provided, single submitter. Criteria: ICSL Variant Classification Criteria 13 December 2019. Collection method: clinical testing. Allele origin: germline.

PreventionGenetics, part of Exact Sciences
Classification: Uncertain significance for FIG4-related condition. Last evaluated: 2024-09-26. Review status: no assertion criteria provided. Collection method: clinical testing. Allele origin: germline. Not counted in ClinVar's aggregate classification.
Comment: The FIG4 c.2567C>T variant is predicted to result in the amino acid substitution p.Ser856Leu. This variant was reported in an individual with Charcot-Marie-Tooth disease (Volodarsky et al. 2021. PubMed ID: 32376792). This variant is reported in 0.015% of alleles in individuals of East Asian descent in gnomAD. At this time, the clinical significance of this variant is uncertain due to the absence of conclusive functional and genetic evidence.